The following is an entry in ClinVar:

NM_213599.3(ANO5):c.2117G>T (p.Arg706Leu)

Gene: ANO5 (anoctamin 5; plus strand). Cytogenetic location: 11p14.3.
Variant type: single nucleotide variant.
Coding change: c.2117G>T on transcript NM_213599.3 (MANE Select); coding-DNA position 2117, G replaced by T.
Protein change: p.Arg706Leu; replaces arginine 706 with leucine.
Molecular consequence: missense variant.
Genome position (GRCh38, 1-based): chr11:22,272,871, G>T. VCF-style: chr11-22272871-G-T. GRCh37 (hg19) VCF-style: chr11-22294417-G-T.
Other names: c.2114G>T, p.Arg705Leu (NM_001142649.2); c.2075G>T, p.Arg692Leu (NM_001410963.1); c.2072G>T, p.Arg691Leu (NM_001410964.1); short protein forms R691L, R692L, R705L, R706L.
Identifiers: ClinVar variation 1709523 (VCV001709523.9), dbSNP rs926233739, ClinGen allele CA379923810.

ClinVar aggregate classification (germline): Conflicting classifications of pathogenicity. Review status: criteria provided, conflicting classifications (1 of 4 stars). 3 submissions from 3 submitters: Likely pathogenic (1); Uncertain significance (2). Last evaluated 2026-10-05.

Conditions:
Autosomal recessive limb-girdle muscular dystrophy type 2L (LGMDR12). Also called: Limb-girdle muscular dystrophy, type 2L; Limb-Girdle Muscular Dystrophy R12 Anoctamin-5-Related (LGMD-R12); MUSCULAR DYSTROPHY, LIMB-GIRDLE, AUTOSOMAL RECESSIVE 12. Identifiers: Orphanet 206549, MedGen C1969785, MONDO:0012652, OMIM 611307.
Gnathodiaphyseal dysplasia (GDD). Also called: GNATHODIAPHYSEAL SCLEROSIS; OSTEOGENESIS IMPERFECTA WITH UNUSUAL SKELETAL LESIONS. Identifiers: Orphanet 53697, MedGen C1833736, MONDO:0008151, OMIM 166260.

gnomAD v4.1: 2 of 1,613,858 alleles (0.00012%); highest among the groups gnomAD compares: Non-Finnish European, 0.00017%; no homozygotes.

Submissions (3):

GeneDx
Classification: Uncertain significance. Last evaluated: 2026-10-05. Review status: criteria provided, single submitter. Criteria: GeneDx Variant Classification Process June 2021. Collection method: clinical testing. Allele origin: germline.
Comment: Not observed at significant frequency in large population cohorts (gnomAD); In silico analysis supports that this missense variant has a deleterious effect on protein structure/function; Has not been previously published as pathogenic or benign to our knowledge

Labcorp Genetics (formerly Invitae), Labcorp
Classification: Likely pathogenic for Autosomal recessive limb-girdle muscular dystrophy type 2L; Gnathodiaphyseal dysplasia. Last evaluated: 2022-10-17. Review status: criteria provided, single submitter. Criteria: Invitae Variant Classification Sherloc (09022015). Collection method: clinical testing. Allele origin: germline.
Comment: This variant disrupts the p.Arg706 amino acid residue in ANO5. Other variant(s) that disrupt this residue have been determined to be pathogenic (Invitae). This suggests that this residue is clinically significant, and that variants that disrupt this residue are likely to be disease-causing. In summary, the currently available evidence indicates that the variant is pathogenic, but additional data are needed to prove that conclusively. Therefore, this variant has been classified as Likely Pathogenic. Advanced modeling of protein sequence and biophysical properties (such as structural, functional, and spatial information, amino acid conservation, physicochemical variation, residue mobility, and thermodynamic stability) performed at Invitae indicates that this missense variant is expected to disrupt ANO5 protein function. This sequence change replaces arginine, which is basic and polar, with leucine, which is neutral and non-polar, at codon 706 of the ANO5 protein (p.Arg706Leu). This variant is not present in population databases (gnomAD no frequency). This variant has not been reported in the literature in individuals affected with ANO5-related conditions.

MGZ Medical Genetics Center
Classification: Uncertain significance for Autosomal recessive limb-girdle muscular dystrophy type 2L. Last evaluated: 2022-07-25. Review status: criteria provided, single submitter. Criteria: ACMG Guidelines, 2015. Collection method: clinical testing. Allele origin: germline. Affected: yes. Observed: 1 variant allele.
Comment: ACMG criteria applied: PM2_SUP, PP3